The following is an entry in ClinVar:

ClinVar aggregate classification (germline): Likely pathogenic (1 of 4 stars; one submission).

Submission:

Labcorp Genetics (formerly Invitae), Labcorp
Classification: Likely pathogenic. Last evaluated: 2024-01-18. Review status: criteria provided, single submitter. Criteria: Invitae Variant Classification Sherloc (09022015). Collection method: clinical testing. Allele origin: germline.
Comment: This sequence change affects an acceptor splice site in intron 3 of the TYRP1 gene. It is expected to disrupt RNA splicing. Variants that disrupt the donor or acceptor splice site typically lead to a loss of protein function (PMID: 16199547), and loss-of-function variants in TYRP1 are known to be pathogenic (PMID: 8651291, 9345097). This variant is not present in population databases (gnomAD no frequency). This variant has not been reported in the literature in individuals affected with TYRP1-related conditions. Algorithms developed to predict the effect of sequence changes on RNA splicing suggest that this variant may disrupt the consensus splice site. In summary, the currently available evidence indicates that the variant is pathogenic, but additional data are needed to prove that conclusively. Therefore, this variant has been classified as Likely Pathogenic.

Literature cited by the submitters: PubMed 16199547; PubMed 8651291; PubMed 9345097.

NM_000550.3(TYRP1):c.709-2A>G

Gene: TYRP1 (tyrosinase related protein 1; plus strand). Cytogenetic location: 9p23.
Variant type: single nucleotide variant.
Coding change: c.709-2A>G on transcript NM_000550.3 (MANE Select); the canonical splice acceptor site of the intron before coding-DNA position 709, A replaced by G.
Molecular consequence: splice acceptor variant.
Genome position (GRCh38, 1-based): chr9:12,698,449, A>G. VCF-style: chr9-12698449-A-G. GRCh37 (hg19) VCF-style: chr9-12698449-A-G.
Identifiers: ClinVar variation 2709964 (VCV002709964.3), dbSNP rs1818111911, ClinGen allele CA372939194.
Genomic context (GRCh38, chr9:12,698,449, plus strand): 5'-CAAACAGAAATGAATAATTGTAAACAGAAGCAGAGAGTATTAATGTGGTTTCTGTGATCT[A>G]GGAAATGTTGCAAGAGCCTTCTTTCTCCCTTCCTTACTGGAATTTTGCAACGGGGAAAAA-3'